The following is an entry in ClinVar:

NM_001283009.2(RTEL1):c.3446A>G (p.Gln1149Arg)

Genes: RTEL1 (regulator of telomere elongation helicase 1; plus strand), RTEL1-TNFRSF6B (RTEL1-TNFRSF6B readthrough (NMD candidate); plus strand). Cytogenetic location: 20q13.33.
Variant type: single nucleotide variant.
Coding change: c.3446A>G on transcript NM_001283009.2 (MANE Select); coding-DNA position 3446, A replaced by G.
Protein change: p.Gln1149Arg; replaces glutamine 1149 with arginine.
Molecular consequence: missense variant. On other transcripts: non-coding transcript variant (1).
Genome position (GRCh38, 1-based): chr20:63,695,168, A>G. VCF-style: chr20-63695168-A-G. GRCh37 (hg19) VCF-style: chr20-62326521-A-G.
Other names: c.2777A>G, p.Gln926Arg (NM_001283010.1); c.3446A>G, p.Gln1149Arg (NM_016434.4); c.3518A>G, p.Gln1173Arg (NM_032957.5); short protein forms Q1149R, Q1173R, Q926R.
Identifiers: ClinVar variation 1926559 (VCV001926559.5), dbSNP rs2517201038, ClinGen allele CA409685441.

ClinVar aggregate classification (germline): Uncertain significance (1 of 4 stars; one submission).

Conditions:
Dyskeratosis congenita, autosomal recessive 5 (DKCB5). Identifiers: MedGen C3554656, MONDO:0014076, OMIM 615190.
Pulmonary fibrosis and/or bone marrow failure, Telomere-related, 3. Also called: PULMONARY FIBROSIS AND/OR BONE MARROW FAILURE SYNDROME, TELOMERE-RELATED, 3. Identifiers: Orphanet 2032, MedGen C4225346, MONDO:0014613, OMIM 616373.

Submission:

Labcorp Genetics (formerly Invitae), Labcorp
Classification: Uncertain significance for Dyskeratosis congenita, autosomal recessive 5; Pulmonary fibrosis and/or bone marrow failure, Telomere-related, 3. Last evaluated: 2022-11-15. Review status: criteria provided, single submitter. Criteria: Invitae Variant Classification Sherloc (09022015). Collection method: clinical testing. Allele origin: germline.
Comment: Algorithms developed to predict the effect of missense changes on protein structure and function output the following: SIFT: "Tolerated"; PolyPhen-2: "Benign"; Align-GVGD: "Class C0". The arginine amino acid residue is found in multiple mammalian species, which suggests that this missense change does not adversely affect protein function. In summary, the available evidence is currently insufficient to determine the role of this variant in disease. Therefore, it has been classified as a Variant of Uncertain Significance. This variant has not been reported in the literature in individuals affected with RTEL1-related conditions. This variant is not present in population databases (gnomAD no frequency). This sequence change replaces glutamine, which is neutral and polar, with arginine, which is basic and polar, at codon 1149 of the RTEL1 protein (p.Gln1149Arg).